The following is an entry in ClinVar:

ClinVar aggregate classification (germline): Uncertain significance (1 of 4 stars; one submission).

Conditions:
Dyskeratosis congenita. Identifiers: Orphanet 1775, MedGen C0265965, MONDO:0015780.

Submission:

Ambry Genetics
Classification: Uncertain significance for Dyskeratosis congenita. Last evaluated: 2022-11-16. Review status: criteria provided, single submitter. Criteria: Ambry Variant Classification Scheme 2023. Collection method: clinical testing. Allele origin: germline.
Comment: The p.A532V variant (also known as c.1595C>T), located in coding exon 3 of the TERT gene, results from a C to T substitution at nucleotide position 1595. The alanine at codon 532 is replaced by valine, an amino acid with similar properties. This amino acid position is conserved. In addition, this alteration is predicted to be tolerated by in silico analysis. Since supporting evidence is limited at this time, the clinical significance of this alteration remains unclear.

NM_198253.3(TERT):c.1595C>T (p.Ala532Val)

Gene: TERT (telomerase reverse transcriptase; minus strand). Cytogenetic location: 5p15.33.
Variant type: single nucleotide variant.
Coding change: c.1595C>T on transcript NM_198253.3 (MANE Select); coding-DNA position 1595, C replaced by T.
Protein change: p.Ala532Val; replaces alanine 532 with valine.
Molecular consequence: missense variant. On other transcripts: non-coding transcript variant (2).
Genome position (GRCh38, 1-based): chr5:1,282,603, G>A on the plus strand (C>T on the coding strand, the complement: TERT is on the minus strand). VCF-style: chr5-1282603-G-A. GRCh37 (hg19) VCF-style: chr5-1282718-G-A.
Other names: c.1595C>T, p.Ala532Val (NM_001193376.3, NM_003219.1); short protein forms A532V.
Identifiers: ClinVar variation 2454065 (VCV002454065.2), dbSNP rs2478307009, ClinGen allele CA359083554.